The following is an entry in ClinVar:

ClinVar aggregate classification (germline): Likely pathogenic (1 of 4 stars; one submission).

Conditions:
Galactosemia. Also called: Galactose intolerance. Identifiers: Orphanet 352, MedGen C0016952, MONDO:0018116, HP:0004919. Disease mechanism: loss of function.

Submission:

Natera, Inc.
Classification: Likely pathogenic for Galactosemia. Last evaluated: 2024-05-03. Review status: criteria provided, single submitter. Criteria: Natera Variant Classification Schema (03/2026). Collection method: clinical testing. Allele origin: germline.
Comment: The c.904+2del variant in GALT is a canonical splice donor site variant predicted to affect pre-mRNA splicing, which may result in an abnormal transcript and altered protein product. This variant is expected to result in nonsense mediated decay, truncation, or a dysfunctional protein product. This variant is rare in the general population with a frequency below the threshold expected for the associated phenotype(s). Given the available evidence, this variant is classified as Likely Pathogenic.

NM_000155.4(GALT):c.904+2del

Gene: GALT (galactose-1-phosphate uridylyltransferase; plus strand). Cytogenetic location: 9p13.3.
Variant type: Deletion.
Coding change: c.904+2del on transcript NM_000155.4 (MANE Select); the canonical splice donor site of the intron after coding-DNA position 904, one base deleted (T; older notation c.904+2delT).
Molecular consequence: splice donor variant.
Genome position (GRCh38, 1-based): chr9:34,649,083, T deleted. VCF-style (leftmost placement, unchanged base first): chr9-34649082-GT-G. GRCh37 (hg19) VCF-style: chr9-34649079-GT-G.
Other names: c.577+2del (NM_001258332.2).
Identifiers: ClinVar variation 4817646 (VCV004817646.1), dbSNP rs2132345580.